The following is an entry in ClinVar:

ClinVar aggregate classification (germline): Uncertain significance (1 of 4 stars; one submission).

Conditions:
Autosomal recessive severe congenital neutropenia due to CSF3R deficiency. Also called: Neutropenia, severe congenital, 7, autosomal recessive. Identifiers: Orphanet 420702, MedGen C4310764, MONDO:0014865, OMIM 617014.

Submission:

Labcorp Genetics (formerly Invitae), Labcorp
Classification: Uncertain significance for Autosomal recessive severe congenital neutropenia due to CSF3R deficiency. Last evaluated: 2025-04-09. Review status: criteria provided, single submitter. Criteria: Invitae Variant Classification Sherloc (09022015). Collection method: clinical testing. Allele origin: germline.
Comment: This sequence change replaces alanine, which is neutral and non-polar, with aspartic acid, which is acidic and polar, at codon 410 of the CSF3R protein (p.Ala410Asp). This variant is not present in population databases (gnomAD no frequency). This variant has not been reported in the literature in individuals affected with CSF3R-related conditions. Invitae Evidence Modeling of protein sequence and biophysical properties (such as structural, functional, and spatial information, amino acid conservation, physicochemical variation, residue mobility, and thermodynamic stability) indicates that this missense variant is expected to disrupt CSF3R protein function with a positive predictive value of 80%. In summary, the available evidence is currently insufficient to determine the role of this variant in disease. Therefore, it has been classified as a Variant of Uncertain Significance.

NM_000760.4(CSF3R):c.1229C>A (p.Ala410Asp)

Gene: CSF3R (colony stimulating factor 3 receptor; minus strand). Cytogenetic location: 1p34.3.
Variant type: single nucleotide variant.
Coding change: c.1229C>A on transcript NM_000760.4 (MANE Select); coding-DNA position 1229, C replaced by A.
Protein change: p.Ala410Asp; replaces alanine 410 with aspartic acid.
Molecular consequence: missense variant.
Genome position (GRCh38, 1-based): chr1:36,471,489, G>T on the plus strand (C>A on the coding strand, the complement: CSF3R is on the minus strand). VCF-style: chr1-36471489-G-T. GRCh37 (hg19) VCF-style: chr1-36937090-G-T.
Other names: c.1229C>A, p.Ala410Asp (NM_156039.3, NM_172313.3); short protein forms A410D.
Identifiers: ClinVar variation 4711262 (VCV004711262.1).